The following is an entry in ClinVar:

NM_012186.3(FOXE3):c.851A>G (p.Glu284Gly)

Genes: FOXE3 (forkhead box E3; plus strand), LINC01389 (long independently transcribed non-coding RNA 1389; minus strand). Cytogenetic location: 1p33.
Variant type: single nucleotide variant.
Coding change: c.851A>G on transcript NM_012186.3 (MANE Select); coding-DNA position 851, A replaced by G.
Protein change: p.Glu284Gly; replaces glutamic acid 284 with glycine.
Molecular consequence: missense variant.
Genome position (GRCh38, 1-based): chr1:47,417,166, A>G. VCF-style: chr1-47417166-A-G. GRCh37 (hg19) VCF-style: chr1-47882838-A-G.
Other names: short protein forms E284G.
Identifiers: ClinVar variation 1014988 (VCV001014988.9), dbSNP rs956520813, ClinGen allele CA22069402.
Genomic context (GRCh38, chr1:47,417,166, plus strand): 5'-AGGTCCCCGACCGCCTGGTACTGCCCGCGACGCGCCCCGGCCCCGGCCCGCTGCCCGCTG[A>G]GCCCCTCCTGGCCTTGGCCGGGCCGGCAGCCGCTCTCGGCCCGCTCAGCCCTGGGGAGGC-3'
Protein context (NP_036318.1, residues 274-294): TRPGPGPLPA[Glu284Gly]PLLALAGPAA

ClinVar aggregate classification (germline): Uncertain significance (1 of 4 stars; one submission).

Conditions:
Congenital primary aphakia. Also called: Anterior segment dysgenesis 2, multiple subtypes; ANTERIOR SEGMENT DYSGENESIS 2. Identifiers: Orphanet 83461, MedGen C1853230, MONDO:0012456, OMIM 610256.
Anterior segment dysgenesis. Also called: Ocular anterior segment dysgenesis. Identifiers: Orphanet 88632, MedGen C1862839, MONDO:0019503, HP:0007700.

Allele frequency attached by ClinVar (database versions not stated): gnomAD 0.00001 and 0.00002; gnomAD exomes 0.00002; TOPMed 0.00002.

Submission:

Labcorp Genetics (formerly Invitae), Labcorp
Classification: Uncertain significance for Anterior segment dysgenesis; Congenital primary aphakia. Last evaluated: 2026-01-25. Review status: criteria provided, single submitter. Criteria: Invitae Variant Classification Sherloc (09022015). Collection method: clinical testing. Allele origin: germline.
Comment: This sequence change replaces glutamic acid, which is acidic and polar, with glycine, which is neutral and non-polar, at codon 284 of the FOXE3 protein (p.Glu284Gly). This variant is not present in population databases (gnomAD no frequency). This variant has not been reported in the literature in individuals affected with FOXE3-related conditions. ClinVar contains an entry for this variant (Variation ID: 1014988). An algorithm developed to predict the effect of missense changes on protein structure and function (PolyPhen-2) suggests that this variant is likely to be tolerated. In summary, the available evidence is currently insufficient to determine the role of this variant in disease. Therefore, it has been classified as a Variant of Uncertain Significance.